The following is an entry in ClinVar:

NM_020738.4(KIDINS220):c.3139T>C (p.Phe1047Leu)

Gene: KIDINS220 (kinase D interacting substrate 220; minus strand). Cytogenetic location: 2p25.1.
Variant type: single nucleotide variant.
Coding change: c.3139T>C on transcript NM_020738.4 (MANE Select); coding-DNA position 3139, T replaced by C.
Protein change: p.Phe1047Leu; replaces phenylalanine 1047 with leucine.
Molecular consequence: missense variant. On other transcripts: non-coding transcript variant (2).
Genome position (GRCh38, 1-based): chr2:8,751,517, A>G on the plus strand (T>C on the coding strand, the complement: KIDINS220 is on the minus strand). VCF-style: chr2-8751517-A-G. GRCh37 (hg19) VCF-style: chr2-8891647-A-G.
Other names: c.3142T>C, p.Phe1048Leu (NM_001348729.2, NM_001348731.2, NM_001348734.2 and 2 more transcripts); c.3139T>C, p.Phe1047Leu (NM_001348732.2, NM_001348735.2, NM_001348738.2 and 3 more transcripts); c.3013T>C, p.Phe1005Leu (NM_001348736.2); short protein forms F1047L, F1005L, F1048L.
Identifiers: ClinVar variation 1431516 (VCV001431516.6), dbSNP rs776465715, ClinGen allele CA1519764.

ClinVar aggregate classification (germline): Uncertain significance (1 of 4 stars; one submission).

Allele frequency attached by ClinVar (database versions not stated): gnomAD 0.00001; gnomAD exomes 0.00001 and 0.00002; ExAC 0.00002; TOPMed 0.00002.
gnomAD v4.1: 34 of 1,613,636 alleles (0.0021%); highest among the groups gnomAD compares: Middle Eastern, 0.016%; no homozygotes.

Submission:

Labcorp Genetics (formerly Invitae), Labcorp
Classification: Uncertain significance. Last evaluated: 2023-08-30. Review status: criteria provided, single submitter. Criteria: Invitae Variant Classification Sherloc (09022015). Collection method: clinical testing. Allele origin: germline.
Comment: This variant is present in population databases (rs776465715, gnomAD 0.003%). This missense change has been observed in individual(s) with obesity (PMID: 29970488). ClinVar contains an entry for this variant (Variation ID: 1431516). An algorithm developed to predict the effect of missense changes on protein structure and function (PolyPhen-2) suggests that this variant is likely to be disruptive. In summary, the available evidence is currently insufficient to determine the role of this variant in disease. Therefore, it has been classified as a Variant of Uncertain Significance. This sequence change replaces phenylalanine, which is neutral and non-polar, with leucine, which is neutral and non-polar, at codon 1047 of the KIDINS220 protein (p.Phe1047Leu).

Literature cited by the submitters: PubMed 29970488.